The following is an entry in ClinVar:

ClinVar aggregate classification (germline): Conflicting classifications of pathogenicity. Review status: criteria provided, conflicting classifications (1 of 4 stars). 9 submissions from 9 submitters: Uncertain significance (3); Likely benign (4). 2 of the submissions do not count toward it. Last evaluated 2026-02-03.

Conditions:
Autosomal recessive osteopetrosis 1. Also called: ALBERS-SCHONBERG DISEASE, AUTOSOMAL RECESSIVE; TCIRG1-Related Autosomal Recessive Osteopetrosis; TCIRG1-Related Osteopetrosis. Identifiers: Orphanet 667, MedGen C1850127, MONDO:0009815, OMIM 259700.
TCIRG1-related disorder. Also called: TCIRG1-related condition.

Allele frequency attached by ClinVar (database versions not stated): gnomAD 0.00029 and 0.00034; TOPMed 0.00034; gnomAD exomes 0.00042 and 0.00048; ExAC 0.00059; ESP Exome Variant Server 0.00062.
gnomAD v4.1: 677 of 1,613,704 alleles (0.042%); highest among the groups gnomAD compares: Middle Eastern, 0.49%; 1 homozygote.

Submissions (9):

Labcorp Genetics (formerly Invitae), Labcorp
Classification: Likely benign. Last evaluated: 2026-02-03. Review status: criteria provided, single submitter. Criteria: Invitae Variant Classification Sherloc (09022015). Collection method: clinical testing. Allele origin: germline.

Mayo Clinic Laboratories, Mayo Clinic
Classification: Likely benign. Last evaluated: 2025-10-23. Review status: criteria provided, single submitter. Criteria: ACMG Guidelines, 2015. Collection method: clinical testing. Allele origin: germline. Observed: 1 variant allele.
Comment: BS1, BP4, BP7

Women's Health and Genetics/Laboratory Corporation of America, LabCorp
Classification: Likely benign. Last evaluated: 2025-03-17. Review status: criteria provided, single submitter. Criteria: LabCorp Variant Classification Summary - May 2015. Collection method: clinical testing. Allele origin: germline.

Blueprint Genetics
Classification: Likely benign. Last evaluated: 2024-11-25. Review status: criteria provided, single submitter. Criteria: ACMG Guidelines, 2015. Collection method: clinical testing. Allele origin: germline.

Genome-Nilou Lab
Classification: Uncertain significance for Autosomal recessive osteopetrosis 1. Last evaluated: 2021-07-22. Review status: criteria provided, single submitter. Criteria: ACMG Guidelines, 2015. Collection method: clinical testing. Allele origin: germline. Affected: no.

Illumina Laboratory Services, Illumina
Classification: Uncertain significance for Autosomal recessive osteopetrosis 1. Last evaluated: 2017-04-27. Review status: criteria provided, single submitter. Criteria: ICSL Variant Classification Criteria 13 December 2019. Collection method: clinical testing. Allele origin: germline.

Eurofins Ntd Llc (ga)
Classification: Uncertain significance. Last evaluated: 2016-11-08. Review status: criteria provided, single submitter. Criteria: EGL Classification Definitions 2015. Collection method: clinical testing. Allele origin: germline. Observed: 1 variant allele, 1 heterozygote.

Natera, Inc.
Classification: Uncertain significance for Infantile malignant osteopetrosis. Last evaluated: 2020-04-16. Review status: no assertion criteria provided. Collection method: clinical testing. Allele origin: germline. Not counted in ClinVar's aggregate classification.

PreventionGenetics, part of Exact Sciences
Classification: Likely benign for TCIRG1-related condition. Last evaluated: 2019-07-02. Review status: no assertion criteria provided. Collection method: clinical testing. Allele origin: germline. Not counted in ClinVar's aggregate classification.
Comment: This variant is classified as likely benign based on ACMG/AMP sequence variant interpretation guidelines (Richards et al. 2015 PMID: 25741868, with internal and published modifications).

NM_006019.4(TCIRG1):c.2163C>T (p.Ile721=)

Gene: TCIRG1 (T cell immune regulator 1, ATPase H+ transporting V0 subunit a3; plus strand). Cytogenetic location: 11q13.2.
Variant type: single nucleotide variant.
Coding change: c.2163C>T on transcript NM_006019.4 (MANE Select); coding-DNA position 2163, C replaced by T.
Protein change: p.Ile721=; no amino-acid change (isoleucine 721 retained).
Molecular consequence: synonymous variant.
Genome position (GRCh38, 1-based): chr11:68,050,181, C>T. VCF-style: chr11-68050181-C-T. GRCh37 (hg19) VCF-style: chr11-67817648-C-T.
Other names: p.Ile721=; c.1269C>T, p.Ile423= (NM_001351059.2); c.1515C>T, p.Ile505= (NM_006053.4).
Identifiers: ClinVar variation 497920 (VCV000497920.27), dbSNP rs145718040, ClinGen allele CA6147425.